The following is an entry in ClinVar:

ClinVar aggregate classification (germline): Uncertain significance (1 of 4 stars; one submission).

gnomAD v4.1: 2 of 1,609,130 alleles (0.00012%); highest among the groups gnomAD compares: Non-Finnish European, 0.00017%; no homozygotes.

Submission:

GeneDx
Classification: Uncertain significance. Last evaluated: 2020-11-04. Review status: criteria provided, single submitter. Criteria: GeneDx Variant Classification Process June 2021. Collection method: clinical testing. Allele origin: germline. Affected: yes.
Comment: Not observed in large population cohorts (Lek et al., 2016); In silico analysis supports that this missense variant has a deleterious effect on protein structure/function; Has not been previously published as pathogenic or benign to our knowledge

NM_000443.4(ABCB4):c.122G>C (p.Gly41Ala)

Gene: ABCB4 (ATP binding cassette subfamily B member 4; minus strand). Cytogenetic location: 7q21.12.
Variant type: single nucleotide variant.
Coding change: c.122G>C on transcript NM_000443.4 (MANE Select); coding-DNA position 122, G replaced by C.
Protein change: p.Gly41Ala; replaces glycine 41 with alanine.
Molecular consequence: missense variant.
Genome position (GRCh38, 1-based): chr7:87,472,634, C>G on the plus strand (G>C on the coding strand, the complement: ABCB4 is on the minus strand). VCF-style: chr7-87472634-C-G. GRCh37 (hg19) VCF-style: chr7-87101950-C-G.
Other names: c.122G>C, p.Gly41Ala (NM_018849.3, NM_018850.3); short protein forms G41A.
Identifiers: ClinVar variation 1313621 (VCV001313621.2), dbSNP rs2116986462, ClinGen allele CA368058639.